The following is an entry in ClinVar:

NM_001348323.3(TRIP12):c.3869del (p.Leu1290fs)

Gene: TRIP12 (thyroid hormone receptor interactor 12; minus strand). Cytogenetic location: 2q36.3.
Variant type: Deletion.
Coding change: c.3869del on transcript NM_001348323.3 (MANE Select); coding-DNA position 3869, one base deleted (T; older notation c.3869delT).
Protein change: p.Leu1290fs; shifts the reading frame from leucine 1290.
Molecular consequence: frameshift variant.
Genome position (GRCh38, 1-based): chr2:229,795,278, A deleted on the plus strand (T on the coding strand, the reverse complement: TRIP12 is on the minus strand); the first of 3 consecutive A bases (chr2:229,795,278-229,795,280); deleting any one gives the same sequence. VCF-style (leftmost placement, unchanged base first): chr2-229795277-CA-C. GRCh37 (hg19) VCF-style: chr2-230659993-CA-C.
Other names: c.3788del, p.Leu1263fs (NM_001284214.2, NM_001348315.2); c.3743del, p.Leu1248fs (NM_001284215.2, NM_001348316.2, NM_001348317.1 and 1 more transcripts); c.2834del, p.Leu945fs (NM_001284216.2); c.3869del, p.Leu1290fs (NM_001348319.1, NM_001348320.2, NM_001348322.1 and 4 more transcripts); c.3872del, p.Leu1291fs (NM_001348321.1, NM_001348328.1, NM_001348329.2 and 1 more transcripts); c.3662del, p.Leu1221fs (NM_001348331.1); c.3782del, p.Leu1261fs (NM_001348332.1); c.3791del, p.Leu1264fs (NM_001348333.1); and 1 more; short protein forms L1215fs, L1221fs, L1248fs, L1261fs, L1263fs, L1264fs, L1290fs, L1291fs.
Identifiers: ClinVar variation 2578429 (VCV002578429.3), dbSNP rs2471401877, ClinGen allele CA2580617717.
Genomic context (GRCh38, chr2:229,795,277, plus strand): 5'-TTTGACTGGAAATTGTTCCATCTGGCTGAGGCAGTTGTTCATCTTGTGAACTAATGCCAA[CA>C]AAGGTGCATTACCCACTGGTTCCACTCTTCCAATGGGCTCTTCTCCAGGAAGCTAAAGTT-3'

ClinVar aggregate classification (germline): Pathogenic (1 of 4 stars; one submission).

Conditions:
Clark-Baraitser syndrome. Also called: BARAITSER SYNDROME; Mental retardation, tall stature, obesity, macrocephaly and typical facial features; Intellectual disability, autosomal dominant 49; MENTAL RETARDATION, AUTOSOMAL DOMINANT 49. Identifiers: Orphanet 600731, MedGen C2931130, MONDO:0030914, OMIM 617752.

Submission:

Institute of Human Genetics, University of Leipzig Medical Center
Classification: Pathogenic for Clark-Baraitser syndrome. Last evaluated: 2023-08-07. Review status: criteria provided, single submitter. Criteria: ACMG Guidelines, 2015. Collection method: clinical testing. Allele origin: de novo. Inheritance: Autosomal dominant inheritance. Affected: yes.
Comment: Criteria applied: PVS1,PM2_SUP,PS2_MOD